The following continues an entry in ClinVar:

NM_002755.4(MAP2K1):c.199G>A (p.Asp67Asn)

Gene: MAP2K1. ClinVar aggregate classification (germline): Pathogenic. Pathogenic (1). ClinVar aggregate classification (somatic clinical impact): Tier II - Potential.

Submissions 21 to 24 of 24:

Juno Genomics, Hangzhou Juno Genomics, Inc
Classification: Pathogenic for Cardiofaciocutaneous syndrome 3. Review status: criteria provided, single submitter. Criteria: ACMG Guidelines, 2015. Collection method: clinical testing. Allele origin: germline. Affected: yes. Not counted in ClinVar's aggregate classification.
Comment: Absent from controls (or at extremely low frequency if recessive) in Genome Aggregation Database.;Missense variant in a gene that has a low rate of benign missense variation.;Well-established in vitro or in vivo functional studies supportive of a damaging effect on the gene or gene product.;The prevalence of the variant in affected individuals is significantly increased compared to the prevalence in controls.;Assumed de novo, but without confirmation of paternity and maternity.

Clinical Genetics Laboratory, University Hospital Schleswig-Holstein
Classification: Pathogenic for Cardiofaciocutaneous syndrome 3. Last evaluated: 2021-10-27. Review status: no assertion criteria provided. Collection method: clinical testing. Allele origin: germline. Affected: yes. Not counted in ClinVar's aggregate classification.

GeneReviews
No classification provided. Condition: Cardiofaciocutaneous syndrome 3. Review status: no classification provided. Collection method: literature only. Allele origin: germline. Affected: yes. Not counted in ClinVar's aggregate classification.

GeneReviews
No classification provided. Condition: Cardio-facio-cutaneous syndrome. Review status: no classification provided. Collection method: literature only. Allele origin: germline. Affected: yes. Not counted in ClinVar's aggregate classification.

Literature cited by the submitters: PubMed 25049390 (cited by 8 submitters); PubMed 17704260 (cited by 9 submitters); PubMed 31057598 (cited by 3billion); PubMed 19344873 (cited by Ambry Genetics); PubMed 29402968 (cited by Ambry Genetics); PubMed 33448881 (cited by Division of Genetic & Genomic Pathology, Hong Kong Children's Hospital); PubMed 35904599 (cited by Division of Genetic & Genomic Pathology, Hong Kong Children's Hospital); PubMed 31785789 (cited by Division of Genetic & Genomic Pathology, Hong Kong Children's Hospital); PubMed 34791078 (cited by Division of Genetic & Genomic Pathology, Hong Kong Children's Hospital); PubMed 32641410 (cited by Institute for Genomic Medicine (IGM) Clinical Laboratory, Nationwide Children's Hospital); PubMed 19681119 (cited by Institute for Genomic Medicine (IGM) Clinical Laboratory, Nationwide Children's Hospital); PubMed 35705560 (cited by Institute for Genomic Medicine (IGM) Clinical Laboratory, Nationwide Children's Hospital); PubMed 30371878 (cited by Institute for Genomic Medicine (IGM) Clinical Laboratory, Nationwide Children's Hospital); PubMed 22588877 (cited by Institute for Genomic Medicine (IGM) Clinical Laboratory, Nationwide Children's Hospital); PubMed 20301365 (cited by Dasa); PubMed 18060073 (cited by Laboratory for Molecular Medicine, Mass General Brigham Personalized Medicine and GeneReviews); PubMed 19411838 (cited by Laboratory for Molecular Medicine, Mass General Brigham Personalized Medicine); PubMed 22327936 (cited by Laboratory for Molecular Medicine, Mass General Brigham Personalized Medicine); NCBI Bookshelf NBK1186 (cited by GeneReviews).